The following is an entry in ClinVar:

NM_001367624.2(ZNF469):c.6613G>C (p.Asp2205His)

Gene: ZNF469 (zinc finger protein 469; plus strand). Cytogenetic location: 16q24.2.
Variant type: single nucleotide variant.
Coding change: c.6613G>C on transcript NM_001367624.2 (MANE Select); coding-DNA position 6613, G replaced by C.
Protein change: p.Asp2205His; replaces aspartic acid 2205 with histidine.
Molecular consequence: missense variant.
Genome position (GRCh38, 1-based): chr16:88,434,083, G>C. VCF-style: chr16-88434083-G-C. GRCh37 (hg19) VCF-style: chr16-88500491-G-C.
Other names: NM_001127464.1:c.6529G>C; short protein forms D2205H.
Identifiers: ClinVar variation 1754056 (VCV001754056.2), dbSNP rs1322998747, ClinGen allele CA397106302.

ClinVar aggregate classification (germline): Uncertain significance (1 of 4 stars; one submission).

Conditions:
Cardiovascular phenotype. Identifiers: MedGen CN230736.

gnomAD v4.1: 1 of 1,550,282 alleles (0.000065%); highest among the groups gnomAD compares: African/African-American, 0.0014%; no homozygotes.

Submission:

Ambry Genetics
Classification: Uncertain significance for Cardiovascular phenotype. Last evaluated: 2024-03-08. Review status: criteria provided, single submitter. Criteria: Ambry Variant Classification Scheme 2023. Collection method: clinical testing. Allele origin: germline.
Comment: The p.D2177H variant (also known as c.6529G>C), located in coding exon 2 of the ZNF469 gene, results from a G to C substitution at nucleotide position 6529. The aspartic acid at codon 2177 is replaced by histidine, an amino acid with similar properties. This amino acid position is conserved. In addition, this alteration is predicted to be tolerated by in silico analysis. Since supporting evidence is limited at this time, the clinical significance of this alteration remains unclear.